The following is an entry in ClinVar:

NM_004517.4(ILK):c.1163G>A (p.Arg388Gln)

Genes: ILK (integrin linked kinase; plus strand), TAF10 (TATA-box binding protein associated factor 10; minus strand). Cytogenetic location: 11p15.4.
Variant type: single nucleotide variant.
Coding change: c.1163G>A on transcript NM_004517.4 (MANE Select); coding-DNA position 1163, G replaced by A.
Protein change: p.Arg388Gln; replaces arginine 388 with glutamine.
Molecular consequence: missense variant. On other transcripts: 3 prime UTR variant (1).
Genome position (GRCh38, 1-based): chr11:6,610,232, G>A. VCF-style: chr11-6610232-G-A. GRCh37 (hg19) VCF-style: chr11-6631463-G-A.
Other names: c.1163G>A, p.Arg388Gln (NM_001014794.3, NM_001014795.3); c.980G>A, p.Arg327Gln (NM_001278441.2); c.761G>A, p.Arg254Gln (NM_001278442.2); c.*690C>T (NM_006284.4); short protein forms R327Q, R388Q, R254Q.
Identifiers: ClinVar variation 1737561 (VCV001737561.3), dbSNP rs747548824, ClinGen allele CA5858300.
Genomic context (GRCh38, chr11:6,610,232, plus strand): 5'-CAAACAGACGCTCAGCAGACATGTGGAGTTTTGCAGTGCTTCTGTGGGAACTGGTGACAC[G>A]GGAGGTACCCTTTGCTGACCTCTCCAATATGGAGATTGGAATGAAGGTGAGAGCACAACA-3'
Protein context (NP_004508.1, residues 378-398): FAVLLWELVT[Arg388Gln]EVPFADLSNM

ClinVar aggregate classification (germline): Uncertain significance (1 of 4 stars; one submission).

Allele frequency attached by ClinVar (database versions not stated): TOPMed below 0.00001; gnomAD 0.00001; ExAC 0.00002; gnomAD exomes 0.00003.
gnomAD v4.1: 39 of 1,614,104 alleles (0.0024%); highest among the groups gnomAD compares: Non-Finnish European, 0.0028%; no homozygotes.

Submission:

Ambry Genetics
Classification: Uncertain significance. Last evaluated: 2025-08-30. Review status: criteria provided, single submitter. Criteria: Ambry Variant Classification Scheme 2023. Collection method: clinical testing. Allele origin: germline.
Comment: The p.R388Q variant (also known as c.1163G>A), located in coding exon 11 of the ILK gene, results from a G to A substitution at nucleotide position 1163. The arginine at codon 388 is replaced by glutamine, an amino acid with highly similar properties. This amino acid position is conserved. In addition, this alteration is predicted to be deleterious by in silico analysis. Since supporting evidence is limited at this time, the clinical significance of this alteration remains unclear.